The following is an entry in ClinVar:

NM_001099922.3(ALG13):c.2453A>T (p.Asn818Ile)

Gene: ALG13 (ALG13 UDP-N-acetylglucosaminyltransferase subunit; plus strand). Cytogenetic location: Xq23.
Variant type: single nucleotide variant.
Coding change: c.2453A>T on transcript NM_001099922.3 (MANE Select); coding-DNA position 2453, A replaced by T.
Protein change: p.Asn818Ile; replaces asparagine 818 with isoleucine.
Molecular consequence: missense variant. On other transcripts: non-coding transcript variant (1).
Genome position (GRCh38, 1-based): chrX:111,730,576, A>T. VCF-style: chrX-111730576-A-T. GRCh37 (hg19) VCF-style: chrX-110973804-A-T.
Other names: c.2141A>T, p.Asn714Ile (NM_001257230.2, NM_001257234.2, NM_001257237.2); c.2219A>T, p.Asn740Ile (NM_001257231.2); c.2453A>T, p.Asn818Ile (NM_001324292.2); c.1967A>T, p.Asn656Ile (NM_001324293.1); short protein forms N656I, N714I, N740I, N818I.
Identifiers: ClinVar variation 1370599 (VCV001370599.6), dbSNP rs770109323, ClinGen allele CA10493895.

ClinVar aggregate classification (germline): Uncertain significance (1 of 4 stars; one submission).

Conditions:
Developmental and epileptic encephalopathy, 36 (DEE36). Also called: ALG13-CDG; Epileptic encephalopathy, early infantile, 36; Congenital disorder of glycosylation, type Is. Identifiers: Orphanet 324422, MedGen C4317295, MONDO:0010472, OMIM 300884.

Submission:

Labcorp Genetics (formerly Invitae), Labcorp
Classification: Uncertain significance for Developmental and epileptic encephalopathy, 36. Last evaluated: 2021-07-30. Review status: criteria provided, single submitter. Criteria: Invitae Variant Classification Sherloc (09022015). Collection method: clinical testing. Allele origin: germline.
Comment: This sequence change replaces asparagine with isoleucine at codon 818 of the ALG13 protein (p.Asn818Ile). The asparagine residue is highly conserved and there is a large physicochemical difference between asparagine and isoleucine. The frequency data for this variant in the population databases is considered unreliable, as metrics indicate poor data quality at this position in the ExAC database. This variant has not been reported in the literature in individuals affected with ALG13-related conditions. Algorithms developed to predict the effect of missense changes on protein structure and function (SIFT, PolyPhen-2, Align-GVGD) all suggest that this variant is likely to be disruptive. In summary, the available evidence is currently insufficient to determine the role of this variant in disease. Therefore, it has been classified as a Variant of Uncertain Significance.